The following is an entry in ClinVar:

ClinVar aggregate classification (germline): Uncertain significance. Review status: criteria provided, multiple submitters, no conflicts (2 of 4 stars). 2 submissions from 2 submitters: Uncertain significance (2). Last evaluated 2025-11-16.

Conditions:
Inborn genetic diseases. Identifiers: MedGen C0950123, MeSH D030342.

Allele frequency attached by ClinVar (database versions not stated): gnomAD 0.00001; ExAC 0.00003.
gnomAD v4.1: 89 of 1,604,364 alleles (0.0055%); highest among the groups gnomAD compares: Non-Finnish European, 0.0074%; no homozygotes.

Submissions (2):

Labcorp Genetics (formerly Invitae), Labcorp
Classification: Uncertain significance. Last evaluated: 2025-11-16. Review status: criteria provided, single submitter. Criteria: Invitae Variant Classification Sherloc (09022015). Collection method: clinical testing. Allele origin: germline.
Comment: This sequence change replaces valine, which is neutral and non-polar, with methionine, which is neutral and non-polar, at codon 546 of the MMP14 protein (p.Val546Met). This variant is present in population databases (rs760243884, gnomAD 0.004%). This variant has not been reported in the literature in individuals affected with MMP14-related conditions. ClinVar contains an entry for this variant (Variation ID: 1938080). An algorithm developed to predict the effect of missense changes on protein structure and function (PolyPhen-2) suggests that this variant is likely to be disruptive. In summary, the available evidence is currently insufficient to determine the role of this variant in disease. Therefore, it has been classified as a Variant of Uncertain Significance.

Ambry Genetics
Classification: Uncertain significance for Inborn genetic diseases. Last evaluated: 2025-10-15. Review status: criteria provided, single submitter. Criteria: Ambry Variant Classification Scheme 2023. Collection method: clinical testing. Allele origin: germline.

NM_004995.4(MMP14):c.1636G>A (p.Val546Met)

Gene: MMP14 (matrix metallopeptidase 14; plus strand). Cytogenetic location: 14q11.2.
Variant type: single nucleotide variant.
Coding change: c.1636G>A on transcript NM_004995.4 (MANE Select); coding-DNA position 1636, G replaced by A.
Protein change: p.Val546Met; replaces valine 546 with methionine.
Molecular consequence: missense variant.
Genome position (GRCh38, 1-based): chr14:22,845,926, G>A. VCF-style: chr14-22845926-G-A. GRCh37 (hg19) VCF-style: chr14-23315135-G-A.
Other names: c.1636G>A (NM_004995.2); short protein forms V546M.
Identifiers: ClinVar variation 1938080 (VCV001938080.6), dbSNP rs760243884, ClinGen allele CA7105536.